The following is an entry in ClinVar:

NM_015073.3(SIPA1L3):c.4841-9C>G

Gene: SIPA1L3 (signal induced proliferation associated 1 like 3; plus strand). Cytogenetic location: 19q13.13.
Variant type: single nucleotide variant.
Coding change: c.4841-9C>G on transcript NM_015073.3 (MANE Select); 9 bases into the intron before coding-DNA position 4841, C replaced by G.
Molecular consequence: intron variant.
Genome position (GRCh38, 1-based): chr19:38,198,380, C>G. VCF-style: chr19-38198380-C-G. GRCh37 (hg19) VCF-style: chr19-38689020-C-G.
Identifiers: ClinVar variation 3050269 (VCV003050269.2), dbSNP rs1010002874, ClinGen allele CA308048338.

ClinVar aggregate classification (germline): Likely benign (0 of 4 stars; one submission).

Conditions:
SIPA1L3-related disorder. Also called: SIPA1L3-related condition.

Allele frequency attached by ClinVar (database versions not stated): gnomAD exomes 0.00001.
gnomAD v4.1: 15 of 1,534,664 alleles (0.00098%); highest among the groups gnomAD compares: Non-Finnish European, 0.0013%; no homozygotes.

Submission:

PreventionGenetics, part of Exact Sciences
Classification: Likely benign for SIPA1L3-related condition. Last evaluated: 2019-07-11. Review status: no assertion criteria provided. Collection method: clinical testing. Allele origin: germline.
Comment: This variant is classified as likely benign based on ACMG/AMP sequence variant interpretation guidelines (Richards et al. 2015 PMID: 25741868, with internal and published modifications).